The following is an entry in ClinVar:

ClinVar aggregate classification (germline): Uncertain significance (1 of 4 stars; one submission).

Conditions:
MHC class I deficiency. Identifiers: Orphanet 34592, MedGen C6024714, MONDO:0011476.

Allele frequency attached by ClinVar (database versions not stated): gnomAD exomes below 0.00001; ExAC 0.00001; gnomAD 0.00001; 1000 Genomes Project 30x 0.00016; 1000 Genomes Project 0.00020.
gnomAD v4.1: 4 of 1,612,974 alleles (0.00025%); highest among the groups gnomAD compares: African/African-American, 0.004%; no homozygotes.

Submission:

Labcorp Genetics (formerly Invitae), Labcorp
Classification: Uncertain significance for MHC class I deficiency 1. Last evaluated: 2022-03-19. Review status: criteria provided, single submitter. Criteria: Invitae Variant Classification Sherloc (09022015). Collection method: clinical testing. Allele origin: germline.
Comment: In summary, the available evidence is currently insufficient to determine the role of this variant in disease. Therefore, it has been classified as a Variant of Uncertain Significance. Algorithms developed to predict the effect of missense changes on protein structure and function output the following: SIFT: "Deleterious"; PolyPhen-2: "Not Available"; Align-GVGD: "Class C0". The methionine amino acid residue is found in multiple mammalian species, which suggests that this missense change does not adversely affect protein function. This variant has not been reported in the literature in individuals affected with TAP2-related conditions. This variant is present in population databases (rs571772891, gnomAD 0.007%). This sequence change replaces isoleucine, which is neutral and non-polar, with methionine, which is neutral and non-polar, at codon 304 of the TAP2 protein (p.Ile304Met).

NM_001290043.2(TAP2):c.912A>G (p.Ile304Met)

Gene: TAP2 (transporter 2, ATP binding cassette subfamily B member; minus strand). Cytogenetic location: 6p21.32.
Variant type: single nucleotide variant.
Coding change: c.912A>G on transcript NM_001290043.2 (MANE Select); coding-DNA position 912, A replaced by G.
Protein change: p.Ile304Met; replaces isoleucine 304 with methionine.
Molecular consequence: missense variant.
Genome position (GRCh38, 1-based): chr6:32,835,187, T>C on the plus strand (A>G on the coding strand, the complement: TAP2 is on the minus strand). VCF-style: chr6-32835187-T-C. GRCh37 (hg19) VCF-style: chr6-32802964-T-C.
Other names: c.912A>G, p.Ile304Met (NM_000544.3, NM_018833.3); short protein forms I304M.
Identifiers: ClinVar variation 2415196 (VCV002415196.6), dbSNP rs571772891, ClinGen allele CA3746043.
Genomic context (GRCh38, chr6:32,835,187, plus strand): 5'-TTGGGGTTCCCTTACATGCACGCTCACCTGATGGCGGGTGTTGTACACCTTCTCCGCTGC[T>C]ATTGTGAAGGGCATGTGCAGCAGAGAAAGGAGGGTGAGTCGAGGCGATATGCTGAGCATG-3'
Protein context (NP_001276972.1, residues 294-314): LLSLLHMPFT[Ile304Met]AAEKVYNTRH